The following is an entry in ClinVar:

NM_022124.6(CDH23):c.9872C>T (p.Thr3291Met)

Gene: CDH23 (cadherin related 23; plus strand). Cytogenetic location: 10q22.1.
Variant type: single nucleotide variant.
Coding change: c.9872C>T on transcript NM_022124.6 (MANE Select); coding-DNA position 9872, C replaced by T.
Protein change: p.Thr3291Met; replaces threonine 3291 with methionine.
Molecular consequence: missense variant.
Genome position (GRCh38, 1-based): chr10:71,815,085, C>T. VCF-style: chr10-71815085-C-T. GRCh37 (hg19) VCF-style: chr10-73574842-C-T.
Other names: c.3152C>T, p.Thr1051Met (NM_001171933.1); c.3047C>T, p.Thr1016Met (NM_001171934.1); c.563C>T, p.Thr188Met (NM_001171935.1); c.458C>T, p.Thr153Met (NM_001171936.1); short protein forms T188M, T3291M, T1016M, T1051M, T153M.
Identifiers: ClinVar variation 1405527 (VCV001405527.3), dbSNP rs780446541, ClinGen allele CA5547197.

ClinVar aggregate classification (germline): Uncertain significance (1 of 4 stars; one submission).

Allele frequency attached by ClinVar (database versions not stated): TOPMed 0.00001; gnomAD 0.00001; gnomAD exomes 0.00004; ExAC 0.00005.
gnomAD v4.1: 11 of 1,611,082 alleles (0.00068%); highest among the groups gnomAD compares: East Asian, 0.011%; no homozygotes.

Submission:

Labcorp Genetics (formerly Invitae), Labcorp
Classification: Uncertain significance. Last evaluated: 2021-11-14. Review status: criteria provided, single submitter. Criteria: Invitae Variant Classification Sherloc (09022015). Collection method: clinical testing. Allele origin: germline.
Comment: This sequence change replaces threonine, which is neutral and polar, with methionine, which is neutral and non-polar, at codon 3291 of the CDH23 protein (p.Thr3291Met). This variant is present in population databases (rs780446541, gnomAD 0.04%). This variant has not been reported in the literature in individuals affected with CDH23-related conditions. Algorithms developed to predict the effect of missense changes on protein structure and function are either unavailable or do not agree on the potential impact of this missense change (SIFT: "Deleterious"; PolyPhen-2: "Not Available"; Align-GVGD: "Class C0"). In summary, the available evidence is currently insufficient to determine the role of this variant in disease. Therefore, it has been classified as a Variant of Uncertain Significance.